The following is an entry in ClinVar:

NM_000829.4(GRIA4):c.1738G>A (p.Asp580Asn)

Gene: GRIA4 (glutamate ionotropic receptor AMPA type subunit 4; plus strand). Cytogenetic location: 11q22.3.
Variant type: single nucleotide variant.
Coding change: c.1738G>A on transcript NM_000829.4 (MANE Select); coding-DNA position 1738, G replaced by A.
Protein change: p.Asp580Asn; replaces aspartic acid 580 with asparagine.
Molecular consequence: missense variant. On other transcripts: non-coding transcript variant (1).
Genome position (GRCh38, 1-based): chr11:105,924,660, G>A. VCF-style: chr11-105924660-G-A. GRCh37 (hg19) VCF-style: chr11-105795386-G-A.
Other names: c.1738G>A, p.Asp580Asn (NM_001077243.3); short protein forms D580N.
Identifiers: ClinVar variation 2368808 (VCV002368808.26), dbSNP rs200205997, ClinGen allele CA6258695.

ClinVar aggregate classification (germline): Conflicting classifications of pathogenicity. Review status: criteria provided, conflicting classifications (1 of 4 stars). 2 submissions from 2 submitters: Uncertain significance (1); Likely benign (1). Last evaluated 2023-05-01.

Conditions:
Inborn genetic diseases. Identifiers: MedGen C0950123, MeSH D030342.

Allele frequency attached by ClinVar (database versions not stated): gnomAD 0.00007; ExAC 0.00010; TOPMed 0.00011; gnomAD exomes 0.00014.

Submissions (2):

CeGaT Center for Human Genetics Tuebingen
Classification: Likely benign. Last evaluated: 2023-05-01. Review status: criteria provided, single submitter. Criteria: CeGaT Center For Human Genetics Tuebingen Variant Classification Criteria Version 2. Collection method: clinical testing. Allele origin: germline. Affected: yes. Observed: 1 variant allele.
Comment: GRIA4: BS2

Ambry Genetics
Classification: Uncertain significance for Inborn genetic diseases. Last evaluated: 2021-10-14. Review status: criteria provided, single submitter. Criteria: Ambry Variant Classification Scheme 2023. Collection method: clinical testing. Allele origin: germline.